The following is an entry in ClinVar:

NM_000443.4(ABCB4):c.2953G>T (p.Val985Leu)

Gene: ABCB4 (ATP binding cassette subfamily B member 4; minus strand). Cytogenetic location: 7q21.12.
Variant type: single nucleotide variant.
Coding change: c.2953G>T on transcript NM_000443.4 (MANE Select); coding-DNA position 2953, G replaced by T.
Protein change: p.Val985Leu; replaces valine 985 with leucine.
Molecular consequence: missense variant.
Genome position (GRCh38, 1-based): chr7:87,409,364, C>A on the plus strand (G>T on the coding strand, the complement: ABCB4 is on the minus strand). VCF-style: chr7-87409364-C-A. GRCh37 (hg19) VCF-style: chr7-87038680-C-A.
Other names: c.2953G>T, p.Val985Leu (NM_018849.3); c.2812G>T, p.Val938Leu (NM_018850.3); short protein forms V938L, V985L.
Identifiers: ClinVar variation 4846665 (VCV004846665.1).
Genomic context (GRCh38, chr7:87,409,364, plus strand): 5'-CTGCAGACAGCTTAGCTTTAGCATAGTCTGGAGCAAATGAACTGGCATGTCCTAGAGCCA[C>A]TGCACCAAATACAATTGCAGAAAACACCCTAGACAGAAGTAGAGGAATTCAAAAATTAGC-3'
Protein context (NP_000434.1, residues 975-995): LVFSAIVFGA[Val985Leu]ALGHASSFAP

ClinVar aggregate classification (germline): Uncertain significance (1 of 4 stars; one submission).

Conditions:
Low phospholipid associated cholelithiasis (GBD1). Also called: Gallbladder disease 1; Gallstone cholecystitis. Identifiers: Orphanet 69663, MedGen C2609268, MONDO:0010939, OMIM 600803.

gnomAD v4.1: 19 of 1,613,946 alleles (0.0012%); highest among the groups gnomAD compares: Non-Finnish European, 0.0016%; no homozygotes.

Submission:

Genomenon, Inc
Classification: Uncertain significance for Low phospholipid associated cholelithiasis. Last evaluated: 2026-04-14. Review status: criteria provided, single submitter. Criteria: Genomenon Sequence Variant Interpretation Standards - Updated. Collection method: curation. Allele origin: germline. Affected: yes.
Comment: ABCB4 p.Val985Leu (c.2953G>T) is a missense variant that changes the amino acid at residue 985 from Valine to Leucine. This variant has been observed in at least one proband with an ABCB4-related disorder (PMID:37818704). It is absent or not present at a significant frequency in gnomAD. In silico models predict that this variant is not damaging. In conclusion, we classify ABCB4 p.Val985Leu (c.2953G>T) as a variant of uncertain significance.

Literature cited by the submitters: PubMed 37818704.